The following is an entry in ClinVar:

ClinVar aggregate classification (germline): Uncertain significance. Review status: criteria provided, multiple submitters, no conflicts (2 of 4 stars). 3 submissions from 3 submitters: Uncertain significance (3). Last evaluated 2026-01-03.

Conditions:
Familial cancer of breast. Also called: Hereditary breast cancer; BREAST CANCER, FAMILIAL; hereditary breast carcinoma. Identifiers: Orphanet 227535, MedGen C0346153, MONDO:0016419, OMIM 114480. Disease mechanism: loss of function.
Hereditary cancer-predisposing syndrome. Also called: Tumor predisposition; Hereditary Cancer Syndrome; Neoplastic Syndromes, Hereditary; Hereditary neoplastic syndrome. Identifiers: Orphanet 140162, MedGen C0027672, MeSH D009386, MONDO:0015356.
CHEK2-related cancer predisposition (TPDS4). Also called: TUMOR PREDISPOSITION SYNDROME 4; CANCER PREDISPOSITION SYNDROME, CHEK2-RELATED; CHEK2-related cancer susceptibility. Identifiers: Orphanet 524, MedGen C5882668, MONDO:0700271, OMIM 609265.

Submissions (3):

Ambry Genetics
Classification: Uncertain significance for Hereditary cancer-predisposing syndrome. Last evaluated: 2026-01-03. Review status: criteria provided, single submitter. Criteria: Ambry Variant Classification Scheme 2023. Collection method: clinical testing. Allele origin: germline.
Comment: The p.H339L variant (also known as c.1016A>T), located in coding exon 9 of the CHEK2 gene, results from an A to T substitution at nucleotide position 1016. The histidine at codon 339 is replaced by leucine, an amino acid with similar properties. This amino acid position is conserved. In addition, this alteration is predicted to be deleterious by in silico analysis. Based on the available evidence, the clinical significance of this variant remains unclear.

Department of Pathology and Laboratory Medicine, Sinai Health System
Classification: Uncertain significance for CHEK2-related cancer predisposition. Last evaluated: 2022-10-24. Review status: criteria provided, single submitter. Criteria: ACMG Guidelines, 2015. Collection method: clinical testing. Allele origin: germline. Affected: yes.

Labcorp Genetics (formerly Invitae), Labcorp
Classification: Uncertain significance for Familial cancer of breast. Last evaluated: 2017-12-23. Review status: criteria provided, single submitter. Criteria: Invitae Variant Classification Sherloc (09022015). Collection method: clinical testing. Allele origin: germline.
Comment: In summary, the available evidence is currently insufficient to determine the role of this variant in disease. Therefore, it has been classified as a Variant of Uncertain Significance. Algorithms developed to predict the effect of missense changes on protein structure and function do not agree on the potential impact of this missense change (SIFT: "Deleterious"; PolyPhen-2: "Probably Damaging"; Align-GVGD: "Class C0"). This variant has not been reported in the literature in individuals with CHEK2-related disease. This variant is not present in population databases (ExAC no frequency). This sequence change replaces histidine with leucine at codon 339 of the CHEK2 protein (p.His339Leu). The histidine residue is highly conserved and there is a moderate physicochemical difference between histidine and leucine.

NM_007194.4(CHEK2):c.1016A>T (p.His339Leu)

Gene: CHEK2 (checkpoint kinase 2; minus strand). Cytogenetic location: 22q12.1.
Variant type: single nucleotide variant.
Coding change: c.1016A>T on transcript NM_007194.4 (MANE Select); coding-DNA position 1016, A replaced by T.
Protein change: p.His339Leu; replaces histidine 339 with leucine.
Molecular consequence: missense variant. On other transcripts: intron variant (3).
Genome position (GRCh38, 1-based): chr22:28,696,980, T>A on the plus strand (A>T on the coding strand, the complement: CHEK2 is on the minus strand). VCF-style: chr22-28696980-T-A. GRCh37 (hg19) VCF-style: chr22-29092968-T-A.
Other names: c.1145A>T, p.His382Leu (NM_001005735.3); c.353A>T, p.His118Leu (NM_001257387.3, NM_001437942.1); c.815A>T, p.His272Leu (NM_001349956.3); c.1109A>T, p.His370Leu (NM_001438293.1); c.1009-1107A>T (NM_145862.3); c.1102-1107A>T (NM_001438295.1); c.1138-1107A>T (NM_001438294.1); short protein forms H339L, H382L, H118L, H272L, H370L.
Identifiers: ClinVar variation 530087 (VCV000530087.11), dbSNP rs1555914365, ClinGen allele CA411097823.
Genomic context (GRCh38, chr22:28,696,980, plus strand): 5'-TCTTGAGATGACAGTAAAACATTCTCTGGCTTTAAGTCACGGTGTATAATACCGTTTTCA[T>A]GAAGGTACTACACAGAAAGGCAGGCATGACCCTCAGATTCATGCAGTAGATACTTAAGTA-3'
Protein context (NP_009125.1, residues 329-349): YQMLLAVQYL[His339Leu]ENGIIHRDLK